The following is an entry in ClinVar:

NM_004744.5(LRAT):c.569G>A (p.Arg190His)

Gene: LRAT (lecithin retinol acyltransferase; plus strand). Cytogenetic location: 4q32.1.
Variant type: single nucleotide variant.
Coding change: c.569G>A on transcript NM_004744.5 (MANE Select); coding-DNA position 569, G replaced by A.
Protein change: p.Arg190His; replaces arginine 190 with histidine.
Molecular consequence: missense variant.
Genome position (GRCh38, 1-based): chr4:154,749,012, G>A. VCF-style: chr4-154749012-G-A. GRCh37 (hg19) VCF-style: chr4-155670164-G-A.
Other names: c.569G>A, p.Arg190His (NM_001301645.2); short protein forms R190H.
Identifiers: ClinVar variation 1002637 (VCV001002637.7), dbSNP rs770186003, ClinGen allele CA3115908.

ClinVar aggregate classification (germline): Uncertain significance. Review status: criteria provided, multiple submitters, no conflicts (2 of 4 stars). 3 submissions from 3 submitters: Uncertain significance (3). Last evaluated 2024-03-21.

Allele frequency attached by ClinVar (database versions not stated): gnomAD exomes 0.00004; ExAC 0.00006; gnomAD 0.00007 and 0.00009; TOPMed 0.00009.

Submissions (3):

Women's Health and Genetics/Laboratory Corporation of America, LabCorp
Classification: Uncertain significance. Last evaluated: 2024-03-21. Review status: criteria provided, single submitter. Criteria: LabCorp Variant Classification Summary - May 2015. Collection method: clinical testing. Allele origin: germline.
Comment: Variant summary: LRAT c.569G>A (p.Arg190His) results in a non-conservative amino acid change in the encoded protein sequence. Three of five in-silico tools predict a damaging effect of the variant on protein function. The variant allele was found at a frequency of 4.4e-05 in 251368 control chromosomes. This frequency is not significantly higher than estimated for a pathogenic variant in LRAT causing Leber Congenital Amaurosis (4.4e-05 vs 0.0005), allowing no conclusion about variant significance. c.569G>A has been reported in the literature in compound heterozygous individuals affected with retinitis pigmentosa with second variants of unknown pathogenicity (e.g. Preising_2007, DevBorman_2012, Zhao_2015). These reports do not provide unequivocal conclusions about association of the variant with Leber Congenital Amaurosis. To our knowledge, no experimental evidence demonstrating an impact on protein function has been reported. The following publications have been ascertained in the context of this evaluation (PMID: 22570351, 25472526, 17525851). ClinVar contains an entry for this variant (Variation ID: 1002637). Based on the evidence outlined above, the variant was classified as uncertain significance.

Blueprint Genetics
Classification: Uncertain significance. Last evaluated: 2022-12-26. Review status: criteria provided, single submitter. Criteria: ACMG Guidelines, 2015. Collection method: clinical testing. Allele origin: germline.

Labcorp Genetics (formerly Invitae), Labcorp
Classification: Uncertain significance. Last evaluated: 2022-08-17. Review status: criteria provided, single submitter. Criteria: Invitae Variant Classification Sherloc (09022015). Collection method: clinical testing. Allele origin: germline.
Comment: This sequence change replaces arginine, which is basic and polar, with histidine, which is basic and polar, at codon 190 of the LRAT protein (p.Arg190His). This variant is present in population databases (rs770186003, gnomAD 0.02%). This missense change has been observed in individual(s) with retinitis pigmentosa (PMID: 17525851). This variant is also known as c.605G>A. ClinVar contains an entry for this variant (Variation ID: 1002637). Algorithms developed to predict the effect of missense changes on protein structure and function (SIFT, PolyPhen-2, Align-GVGD) all suggest that this variant is likely to be tolerated. Algorithms developed to predict the effect of sequence changes on RNA splicing suggest that this variant may disrupt the consensus splice site. In summary, the available evidence is currently insufficient to determine the role of this variant in disease. Therefore, it has been classified as a Variant of Uncertain Significance.

Literature cited by the submitters: PubMed 25472526 (cited by Women's Health and Genetics/Laboratory Corporation of America, LabCorp); PubMed 22570351 (cited by Women's Health and Genetics/Laboratory Corporation of America, LabCorp); PubMed 17525851 (cited by Labcorp Genetics (formerly Invitae), Labcorp).